The following is an entry in ClinVar:

NM_003227.4(TFR2):c.2014C>T (p.Gln672Ter)

Genes: TFR2 (transferrin receptor 2; minus strand), LOC113687175 (Sharpr-MPRA regulatory region 4647; plus strand). Cytogenetic location: 7q22.1.
Variant type: single nucleotide variant.
Coding change: c.2014C>T on transcript NM_003227.4 (MANE Select); coding-DNA position 2014, C replaced by T.
Protein change: p.Gln672Ter; replaces glutamine 672 with a stop codon.
Molecular consequence: nonsense.
Genome position (GRCh38, 1-based): chr7:100,626,885, G>A on the plus strand (C>T on the coding strand, the complement: TFR2 is on the minus strand). VCF-style: chr7-100626885-G-A. GRCh37 (hg19) VCF-style: chr7-100224508-G-A.
Other names: c.1501C>T, p.Gln501Ter (NM_001206855.3); short protein forms Q672*, Q501*.
Identifiers: ClinVar variation 632495 (VCV000632495.29), dbSNP rs1051249273, ClinGen allele CA163275791.

ClinVar aggregate classification (germline): Pathogenic. Review status: criteria provided, multiple submitters, no conflicts (2 of 4 stars). 7 submissions from 7 submitters: Pathogenic (7). Last evaluated 2026-03-05.

Conditions:
Hemochromatosis type 3 (HFE3). Also called: Hereditary hemochromatosis type 3; TFR2-Related Hemochromatosis; HEMOCHROMATOSIS DUE TO DEFECT IN TRANSFERRIN RECEPTOR 2. Identifiers: Orphanet 225123, MedGen C1858664, MONDO:0011417, OMIM 604250.
TFR2-related disorder. Also called: TFR2-related condition.
Hereditary hemochromatosis (HFE). Identifiers: MedGen C0392514, MONDO:0006507. Disease mechanism: loss of function.

Allele frequency attached by ClinVar (database versions not stated): TOPMed 0.00002; gnomAD exomes 0.00005.

Submissions (7):

Mendelics
Classification: Pathogenic for Hemochromatosis type 3. Last evaluated: 2026-03-05. Review status: criteria provided, single submitter. Criteria: ACMG Guidelines, 2015. Collection method: clinical testing. Allele origin: unknown.
Comment: Likely pathogenic/Pathogenic according to ACMG criteria.

Natera, Inc.
Classification: Pathogenic for Hereditary hemochromatosis type 3. Last evaluated: 2025-12-03. Review status: criteria provided, single submitter. Criteria: Natera Variant Classification Schema (03/2026). Collection method: clinical testing. Allele origin: germline.
Comment: The c.2014C>T variant in TFR2 is a nonsense variant predicted to introduce a stop codon at amino acid 672. This variant is expected to result in nonsense mediated decay, truncation, or a dysfunctional protein product. This variant is rare in the general population with a frequency below the threshold expected for the associated phenotype(s). This variant has been observed in one or more individuals affected with the associated recessive disease, as either homozygous or compound heterozygous with a second variant (PMID: 34946929). Given the available evidence, this variant is classified as Pathogenic.

Labcorp Genetics (formerly Invitae), Labcorp
Classification: Pathogenic for Hereditary hemochromatosis. Last evaluated: 2025-10-06. Review status: criteria provided, single submitter. Criteria: Invitae Variant Classification Sherloc (09022015). Collection method: clinical testing. Allele origin: germline.
Comment: This sequence change creates a premature translational stop signal (p.Gln672*) in the TFR2 gene. It is expected to result in an absent or disrupted protein product. Loss-of-function variants in TFR2 are known to be pathogenic (PMID: 23600741, 26029709). This variant is present in population databases (no rsID available, gnomAD 0.03%). This premature translational stop signal has been observed in individual(s) with hereditary hemochromatosis (PMID: 26029709). In at least one individual the data is consistent with being in trans (on the opposite chromosome) from a pathogenic variant. ClinVar contains an entry for this variant (Variation ID: 632495). Algorithms developed to predict the effect of sequence changes on RNA splicing suggest that this variant may disrupt the consensus splice site. For these reasons, this variant has been classified as Pathogenic.

Fulgent Genetics
Classification: Pathogenic for Hemochromatosis type 3. Last evaluated: 2024-04-05. Review status: criteria provided, single submitter. Criteria: ACMG Guidelines, 2015. Collection method: clinical testing. Allele origin: germline.

Baylor Genetics
Classification: Pathogenic for Hemochromatosis type 3. Last evaluated: 2024-03-26. Review status: criteria provided, single submitter. Criteria: ACMG Guidelines, 2015. Collection method: clinical testing. Allele origin: unknown.

PreventionGenetics, part of Exact Sciences
Classification: Pathogenic for TFR2-related condition. Last evaluated: 2023-04-27. Review status: criteria provided, single submitter. Criteria: ACMG Guidelines, 2015. Collection method: clinical testing. Allele origin: germline.
Comment: The TFR2 c.2014C>T variant is predicted to result in premature protein termination (p.Gln672*). This variant has previously been reported to be causative for hemochromatosis, type 3 (Joshi et al. 2015. PubMed ID: 26029709; Hernández et al. 2021. PubMed ID: 34946929). This variant is reported in 0.028% of alleles in individuals of Latino descent in gnomAD. Nonsense variants in TFR2 are expected to be pathogenic. This variant is interpreted as pathogenic.

Revvity Omics, Revvity
Classification: Pathogenic for Hemochromatosis type 3. Last evaluated: 2021-09-28. Review status: criteria provided, single submitter. Criteria: ACMG Guidelines, 2015. Collection method: clinical testing. Allele origin: germline.

Literature cited by the submitters: PubMed 34946929 (cited by Natera, Inc.); PubMed 23600741 (cited by Labcorp Genetics (formerly Invitae), Labcorp); PubMed 26029709 (cited by Labcorp Genetics (formerly Invitae), Labcorp).